The following is an entry in ClinVar:

NM_001399.5(EDA):c.866_867delinsAA (p.Arg289Gln)

Gene: EDA (ectodysplasin A; plus strand). Cytogenetic location: Xq13.1.
Variant type: Indel.
Coding change: c.866_867delinsAA on transcript NM_001399.5 (MANE Select); coding-DNA positions 866 to 867, GC replaced by AA.
Protein change: p.Arg289Gln; replaces arginine 289 with glutamine.
Molecular consequence: missense variant.
Genome position (GRCh38, 1-based): chrX:70,033,470-70,033,471, GC replaced by AA. VCF-style: chrX-70033470-GC-AA. GRCh37 (hg19) VCF-style: chrX-69253320-GC-AA.
Other names: c.866_867delinsAA, p.Arg289Gln (NM_001005609.2); c.857_858delinsAA, p.Arg286Gln (NM_001005612.3); short protein forms R286Q, R289Q.
Identifiers: ClinVar variation 1025451 (VCV001025451.7), dbSNP rs2020226101, ClinGen allele CA2435981307.

ClinVar aggregate classification (germline): Uncertain significance (1 of 4 stars; one submission).

Conditions:
Hypohidrotic X-linked ectodermal dysplasia (XHED). Also called: ECTODERMAL DYSPLASIA, HYPOHIDROTIC, 1; CST SYNDROME; ECTODERMAL DYSPLASIA 1; Ectodermal Dysplasia 1, Anhidrotic; Christ-Siemans-Touraine syndrome; Anhidrotic ectodermal dysplasia X-linked. Identifiers: Orphanet 181, Orphanet 238468, MedGen C0162359, MONDO:0010585, OMIM 305100.

Submission:

Labcorp Genetics (formerly Invitae), Labcorp
Classification: Uncertain significance for Hypohidrotic X-linked ectodermal dysplasia. Last evaluated: 2020-07-24. Review status: criteria provided, single submitter. Criteria: Invitae Variant Classification Sherloc (09022015). Collection method: clinical testing. Allele origin: germline.
Comment: In summary, the available evidence is currently insufficient to determine the role of this variant in disease. Therefore, it has been classified as a Variant of Uncertain Significance. This variant disrupts the p.Arg289 amino acid residue in EDA. Other variant(s) that disrupt this residue have been determined to be pathogenic (PMID: 26753551). This suggests that this residue is clinically significant, and that variants that disrupt this residue are likely to be disease-causing. Algorithms developed to predict the effect of missense changes on protein structure and function are either unavailable or do not agree on the potential impact of this missense change (SIFT: "Not Available"; PolyPhen-2: "Probably Damaging"; Align-GVGD: "Not Available"). This variant has been observed in individual(s) with hypohidrotic ectodermal dysplasia (Invitae). This variant is not present in population databases (ExAC no frequency). This sequence change replaces arginine with glutamine at codon 289 of the EDA protein (p.Arg289Gln). The arginine residue is highly conserved and there is a small physicochemical difference between arginine and glutamine.

Literature cited by the submitters: PubMed 26753551.